The following is an entry in ClinVar:

NM_005475.3(SH2B3):c.1676C>T (p.Ser559Leu)

Gene: SH2B3 (SH2B adaptor protein 3; plus strand). Cytogenetic location: 12q24.12.
Variant type: single nucleotide variant.
Coding change: c.1676C>T on transcript NM_005475.3 (MANE Select); coding-DNA position 1676, C replaced by T.
Protein change: p.Ser559Leu; replaces serine 559 with leucine.
Molecular consequence: missense variant.
Genome position (GRCh38, 1-based): chr12:111,448,250, C>T. VCF-style: chr12-111448250-C-T. GRCh37 (hg19) VCF-style: chr12-111886054-C-T.
Other names: c.1070C>T, p.Ser357Leu (NM_001291424.1); short protein forms S559L, S357L.
Identifiers: ClinVar variation 3440732 (VCV003440732.1).

ClinVar aggregate classification (germline): Uncertain significance (1 of 4 stars; one submission).

Conditions:
Inborn genetic diseases. Identifiers: MedGen C0950123, MeSH D030342.

Submission:

Ambry Genetics
Classification: Uncertain significance for Inborn genetic diseases. Last evaluated: 2024-11-18. Review status: criteria provided, single submitter. Criteria: Ambry Variant Classification Scheme 2023. Collection method: clinical testing. Allele origin: germline.
Comment: The p.S559L variant (also known as c.1676C>T), located in coding exon 7 of the SH2B3 gene, results from a C to T substitution at nucleotide position 1676. The serine at codon 559 is replaced by leucine, an amino acid with dissimilar properties. This amino acid position is conserved. In addition, this alteration is predicted to be tolerated by in silico analysis. Based on the available evidence, the clinical significance of this variant remains unclear.